The following is an entry in ClinVar:

ClinVar aggregate classification (germline): Uncertain significance. Review status: criteria provided, multiple submitters, no conflicts (2 of 4 stars). 3 submissions from 3 submitters: Uncertain significance (2). 1 of the submissions does not count toward it. Last evaluated 2021-08-28.

Conditions:
Leber congenital amaurosis (LCA). Also called: Leber's amaurosis. Identifiers: Orphanet 65, MedGen C0339527, MeSH D057130, MONDO:0018998.
Meckel-Gruber syndrome. Also called: DYSENCEPHALIA SPLANCHNOCYSTICA; GRUBER SYNDROME; Dysencephalia splachnocystica. Identifiers: Orphanet 564, MedGen C0265215, MONDO:0018921.
Joubert syndrome. Also called: Familial aplasia of the vermis; JOUBERT-BOLTSHAUSER SYNDROME. Identifiers: Orphanet 475, MedGen C5979921, MONDO:0018772.
Nephronophthisis. Also called: Juvenile Nephronophthisis. Identifiers: Orphanet 655, MedGen C0687120, MONDO:0019005, HP:0000090.

gnomAD v4.1: 1 of 1,549,510 alleles (0.000065%); highest among the groups gnomAD compares: Non-Finnish European, 0.000087%; no homozygotes.

Submissions (3):

Labcorp Genetics (formerly Invitae), Labcorp
Classification: Uncertain significance for Joubert syndrome; Meckel-Gruber syndrome; Nephronophthisis. Last evaluated: 2021-08-28. Review status: criteria provided, single submitter. Criteria: Invitae Variant Classification Sherloc (09022015). Collection method: clinical testing. Allele origin: germline.
Comment: This sequence change replaces alanine with threonine at codon 685 of the CEP290 protein (p.Ala685Thr). The alanine residue is moderately conserved and there is a small physicochemical difference between alanine and threonine. This variant is not present in population databases (ExAC no frequency). This variant has not been reported in the literature in individuals affected with CEP290-related conditions. Algorithms developed to predict the effect of missense changes on protein structure and function are either unavailable or do not agree on the potential impact of this missense change (SIFT: "Deleterious"; PolyPhen-2: "Probably Damaging"; Align-GVGD: "Class C0"). Algorithms developed to predict the effect of sequence changes on RNA splicing suggest that this variant may disrupt the consensus splice site. In summary, the available evidence is currently insufficient to determine the role of this variant in disease. Therefore, it has been classified as a Variant of Uncertain Significance.

Blueprint Genetics
Classification: Uncertain significance. Last evaluated: 2021-07-13. Review status: criteria provided, single submitter. Criteria: ACMG Guidelines, 2015. Collection method: clinical testing. Allele origin: germline.

Natera, Inc.
Classification: Uncertain significance for Leber congenital amaurosis. Last evaluated: 2020-09-29. Review status: no assertion criteria provided. Collection method: clinical testing. Allele origin: germline. Not counted in ClinVar's aggregate classification.

NM_025114.4(CEP290):c.2053G>A (p.Ala685Thr)

Gene: CEP290 (centrosomal protein 290; minus strand). Cytogenetic location: 12q21.32.
Variant type: single nucleotide variant.
Coding change: c.2053G>A on transcript NM_025114.4 (MANE Select); coding-DNA position 2053, G replaced by A.
Protein change: p.Ala685Thr; replaces alanine 685 with threonine.
Molecular consequence: missense variant.
Genome position (GRCh38, 1-based): chr12:88,111,858, C>T on the plus strand (G>A on the coding strand, the complement: CEP290 is on the minus strand). VCF-style: chr12-88111858-C-T. GRCh37 (hg19) VCF-style: chr12-88505635-C-T.
Other names: short protein forms A685T.
Identifiers: ClinVar variation 960708 (VCV000960708.9), dbSNP rs2038714969, ClinGen allele CA385975628.